The following is an entry in ClinVar:

ClinVar aggregate classification (germline): Pathogenic. Review status: criteria provided, multiple submitters, no conflicts (2 of 4 stars). 4 submissions from 4 submitters: Pathogenic (4). Last evaluated 2025-11-17.

Conditions:
Infantile nephronophthisis (NPHP2). Also called: Nephronophthisis 2, infantile; Nephronophthisis 2. Identifiers: Orphanet 655, Orphanet 93591, MedGen C1865872, MONDO:0011190, OMIM 602088.
INVS-related disorders.
Nephronophthisis. Also called: Juvenile Nephronophthisis. Identifiers: Orphanet 655, MedGen C0687120, MONDO:0019005, HP:0000090.
INVS-related disorder. Also called: INVS-related condition.

Allele frequency attached by ClinVar (database versions not stated): gnomAD 0.00001; gnomAD exomes 0.00002 and 0.00003; TOPMed 0.00002; ESP Exome Variant Server 0.00008.
gnomAD v4.1: 37 of 1,613,096 alleles (0.0023%); highest among the groups gnomAD compares: Non-Finnish European, 0.003%; no homozygotes.

Submissions (4):

PreventionGenetics, part of Exact Sciences
Classification: Pathogenic for INVS-related condition. Last evaluated: 2025-11-17. Review status: criteria provided, single submitter. Criteria: ACMG Guidelines, 2015. Collection method: clinical testing. Allele origin: germline.
Comment: The INVS c.1078+1G>A variant is predicted to disrupt the GT donor site and interfere with normal splicing. Using an alternate transcript, this variant is also referred to as c.100+1G>A via NM_001318382.2 in the literature. This variant has been reported in the homozygous state to be causative for nephronophthisis-associated ciliopathy (Moalem et al. 2013. PubMed ID: 23713026), in the compound heterozygous state in a fetus with type II nephronophthisis (Wu et al. 2020. PubMed ID: 32335886), and in the heterozygous state in an individual with nephronophthisis-related ciliopathy (Patient A1936-22, Halbritter et al. 2013. PubMed ID: 23559409). This variant is reported in 0.0062% of alleles in individuals of European (Non-Finnish) descent in gnomAD. Variants that disrupt the consensus splice donor site in INVS are expected to be pathogenic. This variant is interpreted as pathogenic.

Blueprint Genetics
Classification: Pathogenic for INVS-related disorders. Last evaluated: 2024-07-19. Review status: criteria provided, single submitter. Criteria: ACMG Guidelines, 2015. Collection method: clinical testing. Allele origin: germline. Affected: yes. Observed: 5 variant alleles.

Labcorp Genetics (formerly Invitae), Labcorp
Classification: Pathogenic for Nephronophthisis. Last evaluated: 2024-06-11. Review status: criteria provided, single submitter. Criteria: Invitae Variant Classification Sherloc (09022015). Collection method: clinical testing. Allele origin: germline.
Comment: This sequence change affects a donor splice site in intron 8 of the INVS gene. It is expected to disrupt RNA splicing. Variants that disrupt the donor or acceptor splice site typically lead to a loss of protein function (PMID: 16199547), and loss-of-function variants in INVS are known to be pathogenic (PMID: 12872123). This variant is present in population databases (rs375416014, gnomAD 0.004%). Disruption of this splice site has been observed in individual(s) with clinical features of nephronophthisis (PMID: 23559409, 23713026, 32335886). In at least one individual the data is consistent with being in trans (on the opposite chromosome) from a pathogenic variant. This variant is also known as c.100+1G>A. ClinVar contains an entry for this variant (Variation ID: 660098). Algorithms developed to predict the effect of sequence changes on RNA splicing suggest that this variant may disrupt the consensus splice site. For these reasons, this variant has been classified as Pathogenic.

Fulgent Genetics
Classification: Pathogenic for Infantile nephronophthisis. Last evaluated: 2024-01-23. Review status: criteria provided, single submitter. Criteria: ACMG Guidelines, 2015. Collection method: clinical testing. Allele origin: germline.

Literature cited by the submitters: PubMed 16199547 (cited by Labcorp Genetics (formerly Invitae), Labcorp); PubMed 12872123 (cited by Labcorp Genetics (formerly Invitae), Labcorp); PubMed 23559409 (cited by Labcorp Genetics (formerly Invitae), Labcorp); PubMed 23713026 (cited by Labcorp Genetics (formerly Invitae), Labcorp); PubMed 32335886 (cited by Labcorp Genetics (formerly Invitae), Labcorp).

NM_014425.5(INVS):c.1078+1G>A

Gene: INVS (inversin; plus strand). Cytogenetic location: 9q31.1.
Variant type: single nucleotide variant.
Coding change: c.1078+1G>A on transcript NM_014425.5 (MANE Select); the canonical splice donor site of the intron after coding-DNA position 1078, G replaced by A.
Molecular consequence: splice donor variant.
Genome position (GRCh38, 1-based): chr9:100,246,788, G>A. VCF-style: chr9-100246788-G-A. GRCh37 (hg19) VCF-style: chr9-103009070-G-A.
Other names: c.790+1G>A (NM_001318381.2); c.100+1G>A (NM_001318382.2); c.1078+1G>A (NM_014425.4).
Identifiers: ClinVar variation 660098 (VCV000660098.13), dbSNP rs375416014, ClinGen allele CA197187002.
Genomic context (GRCh38, chr9:100,246,788, plus strand): 5'-CTATGCTGAGCTTAAAATCGGACATAGATATTAACATGGCTGACAAATATGGAGGTACAG[G>A]TGAGAACTGGTGGACACATTCAATTTGCTTTCATTTAGGTTCCAAAGTGTAGATGTTGCT-3'